The following is an entry in ClinVar:

ClinVar aggregate classification (germline): Uncertain significance. Review status: criteria provided, multiple submitters, no conflicts (2 of 4 stars). 2 submissions from 2 submitters: Uncertain significance (2). Last evaluated 2025-07-15.

Conditions:
Inborn genetic diseases. Identifiers: MedGen C0950123, MeSH D030342.

Allele frequency attached by ClinVar (database versions not stated): gnomAD 0.00001; TOPMed 0.00001.
gnomAD v4.1: 2 of 1,614,012 alleles (0.00012%); highest among the groups gnomAD compares: Non-Finnish European, 0.00017%; no homozygotes.

Submissions (2):

Ambry Genetics
Classification: Uncertain significance for Inborn genetic diseases. Last evaluated: 2025-07-15. Review status: criteria provided, single submitter. Criteria: Ambry Variant Classification Scheme 2023. Collection method: clinical testing. Allele origin: germline.

Labcorp Genetics (formerly Invitae), Labcorp
Classification: Uncertain significance. Last evaluated: 2021-08-12. Review status: criteria provided, single submitter. Criteria: Invitae Variant Classification Sherloc (09022015). Collection method: clinical testing. Allele origin: germline.
Comment: This sequence change replaces proline with alanine at codon 3852 of the FAT4 protein (p.Pro3852Ala). The proline residue is highly conserved and there is a small physicochemical difference between proline and alanine. This variant is not present in population databases (ExAC no frequency). This variant has not been reported in the literature in individuals affected with FAT4-related conditions. Advanced modeling of protein sequence and biophysical properties (such as structural, functional, and spatial information, amino acid conservation, physicochemical variation, residue mobility, and thermodynamic stability) performed at Invitae indicates that this missense variant is not expected to disrupt FAT4 protein function. In summary, the available evidence is currently insufficient to determine the role of this variant in disease. Therefore, it has been classified as a Variant of Uncertain Significance.

NM_001291303.3(FAT4):c.11560C>G (p.Pro3854Ala)

Gene: FAT4 (FAT atypical cadherin 4; plus strand). Cytogenetic location: 4q28.1.
Variant type: single nucleotide variant.
Coding change: c.11560C>G on transcript NM_001291303.3 (MANE Select); coding-DNA position 11560, C replaced by G.
Protein change: p.Pro3854Ala; replaces proline 3854 with alanine.
Molecular consequence: missense variant.
Genome position (GRCh38, 1-based): chr4:125,452,570, C>G. VCF-style: chr4-125452570-C-G. GRCh37 (hg19) VCF-style: chr4-126373725-C-G.
Other names: c.11560C>G, p.Pro3854Ala (NM_001291285.3); c.11554C>G, p.Pro3852Ala (NM_024582.6); c.11554C>G (NM_024582.4); short protein forms P3852A, P3854A.
Identifiers: ClinVar variation 1360314 (VCV001360314.4), dbSNP rs1165023117, ClinGen allele CA358163077.
Genomic context (GRCh38, chr4:125,452,570, plus strand): 5'-AGTCTTCCAGTCATCATCGTGGCAAATGAACCTCTGCAGCCTTTCTTATGCAAGTGTCTG[C>G]CAGGATATGCGGGTAGCTGGTGTGAAATAGATATAGATGAATGTCTTCCATCACCTTGCC-3'
Protein context (NP_001278232.1, residues 3844-3864): PLQPFLCKCL[Pro3854Ala]GYAGSWCEID